The following is an entry in ClinVar:

ClinVar aggregate classification (germline): Pathogenic. Review status: criteria provided, multiple submitters, no conflicts (2 of 4 stars). 4 submissions from 3 submitters: Pathogenic (2). 2 of the submissions do not count toward it. Last evaluated 2022-11-10.

Conditions:
Cranioosteoarthropathy (COA). Also called: Cranio-osteoarthropathy. Identifiers: Orphanet 1525, MedGen C2678439, MONDO:0015466.
Hypertrophic osteoarthropathy, primary, autosomal recessive, 1 (PHOAR1). Also called: PHO, AUTOSOMAL RECESSIVE. Identifiers: Orphanet 1525, Orphanet 2796, MedGen C4551679, MONDO:0024546, OMIM 259100.

Allele frequency attached by ClinVar (database versions not stated): gnomAD below 0.00001 and 0.00001; gnomAD exomes 0.00003 and 0.00008; ExAC 0.00005.
gnomAD v4.1: 44 of 1,580,400 alleles (0.0028%); highest among the groups gnomAD compares: South Asian, 0.048%; no homozygotes.

Submissions (4):

Labcorp Genetics (formerly Invitae), Labcorp
Classification: Pathogenic. Last evaluated: 2022-11-10. Review status: criteria provided, single submitter. Criteria: Invitae Variant Classification Sherloc (09022015). Collection method: clinical testing. Allele origin: germline.
Comment: This sequence change replaces alanine, which is neutral and non-polar, with proline, which is neutral and non-polar, at codon 140 of the HPGD protein (p.Ala140Pro). This variant is present in population databases (rs121434480, gnomAD 0.06%). This missense change has been observed in individuals with clinical features of hypertrophic osteoarthropathy (PMID: 18500342, 32282352). It has also been observed to segregate with disease in related individuals. ClinVar contains an entry for this variant (Variation ID: 7917). Algorithms developed to predict the effect of missense changes on protein structure and function (SIFT, PolyPhen-2, Align-GVGD) all suggest that this variant is likely to be disruptive. Experimental studies have shown that this missense change affects HPGD function (PMID: 18500342). For these reasons, this variant has been classified as Pathogenic.

Kasturba Medical College, Manipal, Kasturba Medical College, Manipal, Manipal Academy of Higher Education, Manipal, India
Classification: Pathogenic for Hypertrophic osteoarthropathy, primary, autosomal recessive, 1. Review status: criteria provided, single submitter. Criteria: ACMG Guidelines, 2015. Collection method: clinical testing. Allele origin: inherited. Inheritance: Autosomal recessive inheritance. Affected: yes.

OMIM
Classification: Pathogenic for CRANIOOSTEOARTHROPATHY. Last evaluated: 2009-11-01. Review status: no assertion criteria provided. Collection method: literature only. Allele origin: germline. Not counted in ClinVar's aggregate classification.

OMIM
Classification: Pathogenic for HYPERTROPHIC OSTEOARTHROPATHY, PRIMARY, AUTOSOMAL RECESSIVE, 1. Last evaluated: 2009-11-01. Review status: no assertion criteria provided. Collection method: literature only. Allele origin: germline. Not counted in ClinVar's aggregate classification.

Literature cited by the submitters: PubMed 18500342 (cited by 3 submitters); PubMed 32282352 (cited by Labcorp Genetics (formerly Invitae), Labcorp and OMIM); PubMed 9402870 (cited by OMIM); PubMed 17551338 (cited by OMIM); PubMed 19306095 (cited by OMIM).

NM_000860.6(HPGD):c.418G>C (p.Ala140Pro)

Gene: HPGD (15-hydroxyprostaglandin dehydrogenase; minus strand). Cytogenetic location: 4q34.1.
Variant type: single nucleotide variant.
Coding change: c.418G>C on transcript NM_000860.6 (MANE Select); coding-DNA position 418, G replaced by C.
Protein change: p.Ala140Pro; replaces alanine 140 with proline.
Molecular consequence: missense variant. On other transcripts: intron variant (1).
Genome position (GRCh38, 1-based): chr4:174,508,699, C>G on the plus strand (G>C on the coding strand, the complement: HPGD is on the minus strand). VCF-style: chr4-174508699-C-G. GRCh37 (hg19) VCF-style: chr4-175429850-C-G.
Other names: c.418G>C, p.Ala140Pro (NM_001145816.3, NM_001256305.2, NM_001363574.2); c.55G>C, p.Ala19Pro (NM_001256301.1, NM_001256307.2); c.218-13075G>C (NM_001256306.2); short protein forms A140P, A19P.
Identifiers: ClinVar variation 7917 (VCV000007917.11), dbSNP rs121434480, ClinGen allele CA119153.
Genomic context (GRCh38, chr4:174,508,699, plus strand): 5'-TTGTGGTCCAAATTACCAGTAAGAAAATGTTACATTTAATGTAATAATTGCCCTTACCTG[C>G]TAAAGATGACATATTGATAATGATGCCGCCTTCACCTCCATTTTGCTTACTCATGTAATC-3'
Protein context (NP_000851.2, residues 130-150): GGIIINMSSL[Ala140Pro]GLMPVAQQPV